The following is an entry in ClinVar:

NM_000733.4(CD3E):c.292T>C (p.Cys98Arg)

Gene: CD3E (CD3 epsilon subunit of T-cell receptor complex; plus strand). Cytogenetic location: 11q23.3.
Variant type: single nucleotide variant.
Coding change: c.292T>C on transcript NM_000733.4 (MANE Select); coding-DNA position 292, T replaced by C.
Protein change: p.Cys98Arg; replaces cysteine 98 with arginine.
Molecular consequence: missense variant.
Genome position (GRCh38, 1-based): chr11:118,312,806, T>C. VCF-style: chr11-118312806-T-C. GRCh37 (hg19) VCF-style: chr11-118183521-T-C.
Other names: short protein forms C98R.
Identifiers: ClinVar variation 862305 (VCV000862305.11), dbSNP rs1948143376, ClinGen allele CA382782760.

ClinVar aggregate classification (germline): Uncertain significance. Review status: criteria provided, multiple submitters, no conflicts (2 of 4 stars). 2 submissions from 2 submitters: Uncertain significance (2). Last evaluated 2023-01-23.

Conditions:
Inborn genetic diseases. Identifiers: MedGen C0950123, MeSH D030342.
Immunodeficiency 18 (IMD18). Also called: CD3-EPSILON DEFICIENCY; CD3epsilon deficiency. Identifiers: MedGen C3810127, MONDO:0014278, OMIM 615615.

Allele frequency attached by ClinVar (database versions not stated): gnomAD exomes below 0.00001.

Submissions (2):

Ambry Genetics
Classification: Uncertain significance for Inborn genetic diseases. Last evaluated: 2023-01-23. Review status: criteria provided, single submitter. Criteria: Ambry Variant Classification Scheme 2023. Collection method: clinical testing. Allele origin: germline.

Labcorp Genetics (formerly Invitae), Labcorp
Classification: Uncertain significance for Immunodeficiency 18. Last evaluated: 2022-08-05. Review status: criteria provided, single submitter. Criteria: Invitae Variant Classification Sherloc (09022015). Collection method: clinical testing. Allele origin: germline.
Comment: This variant is not present in population databases (gnomAD no frequency). This sequence change replaces cysteine, which is neutral and slightly polar, with arginine, which is basic and polar, at codon 98 of the CD3E protein (p.Cys98Arg). In summary, the available evidence is currently insufficient to determine the role of this variant in disease. Therefore, it has been classified as a Variant of Uncertain Significance. Algorithms developed to predict the effect of missense changes on protein structure and function (SIFT, PolyPhen-2, Align-GVGD) all suggest that this variant is likely to be disruptive. ClinVar contains an entry for this variant (Variation ID: 862305). This variant has not been reported in the literature in individuals affected with CD3E-related conditions.